The following is an entry in ClinVar:

NM_001080414.4(CCDC88C):c.589C>T (p.Arg197Trp)

Gene: CCDC88C (coiled-coil domain containing 88C; minus strand). Cytogenetic location: 14q32.11.
Variant type: single nucleotide variant.
Coding change: c.589C>T on transcript NM_001080414.4 (MANE Select); coding-DNA position 589, C replaced by T.
Protein change: p.Arg197Trp; replaces arginine 197 with tryptophan.
Molecular consequence: missense variant.
Genome position (GRCh38, 1-based): chr14:91,339,919, G>A on the plus strand (C>T on the coding strand, the complement: CCDC88C is on the minus strand). VCF-style: chr14-91339919-G-A. GRCh37 (hg19) VCF-style: chr14-91806263-G-A.
Other names: short protein forms R197W.
Identifiers: ClinVar variation 2185127 (VCV002185127.2), dbSNP rs778210068, ClinGen allele CA7310200.

ClinVar aggregate classification (germline): Uncertain significance. Review status: criteria provided, multiple submitters, no conflicts (2 of 4 stars). 2 submissions from 2 submitters: Uncertain significance (2). Last evaluated 2024-03-31.

Allele frequency attached by ClinVar (database versions not stated): ExAC 0.00002; gnomAD exomes 0.00002.
gnomAD v4.1: 21 of 1,593,482 alleles (0.0013%); highest among the groups gnomAD compares: East Asian, 0.0092%; no homozygotes.

Submissions (2):

Greenwood Genetic Center Diagnostic Laboratories, Greenwood Genetic Center
Classification: Uncertain significance. Last evaluated: 2024-03-31. Review status: criteria provided, single submitter. Criteria: ACMG Guidelines, 2015. Collection method: clinical testing. Allele origin: germline. Affected: yes.
Comment: PM2, PM3_Supporting, BP4

Labcorp Genetics (formerly Invitae), Labcorp
Classification: Uncertain significance. Last evaluated: 2022-06-04. Review status: criteria provided, single submitter. Criteria: Invitae Variant Classification Sherloc (09022015). Collection method: clinical testing. Allele origin: germline.
Comment: This sequence change replaces arginine, which is basic and polar, with tryptophan, which is neutral and slightly polar, at codon 197 of the CCDC88C protein (p.Arg197Trp). The frequency data for this variant in the population databases is considered unreliable, as metrics indicate poor data quality at this position in the gnomAD database. This variant has not been reported in the literature in individuals affected with CCDC88C-related conditions. Algorithms developed to predict the effect of missense changes on protein structure and function are either unavailable or do not agree on the potential impact of this missense change (SIFT: "Deleterious"; PolyPhen-2: "Probably Damaging"; Align-GVGD: "Class C0"). In summary, the available evidence is currently insufficient to determine the role of this variant in disease. Therefore, it has been classified as a Variant of Uncertain Significance.